The following is an entry in ClinVar:

NM_000059.4(BRCA2):c.8636dup (p.Asn2879fs)

Gene: BRCA2 (BRCA2 DNA repair associated; plus strand). Cytogenetic location: 13q13.1.
Variant type: Duplication.
Coding change: c.8636dup on transcript NM_000059.4 (MANE Select); coding-DNA position 8636, one base duplicated (A; older notation c.8636dupA).
Protein change: p.Asn2879fs; shifts the reading frame from asparagine 2879.
Molecular consequence: frameshift variant.
Genome position (GRCh38, 1-based): chr13:32,376,673, A duplicated; the last of 4 consecutive A bases (chr13:32,376,670-32,376,673); duplicating any one gives the same sequence. VCF-style (leftmost placement, unchanged base first): chr13-32376669-G-GA. GRCh37 (hg19) VCF-style: chr13-32950806-G-GA.
Other names: BRCA2:c.8636_8637insA (p.Asn2879Lysfs); 8864insA; c.8636dupA (NM_000059.3); short protein forms N2879fs.
Identifiers: ClinVar variation 52646 (VCV000052646.9), dbSNP rs80359723, ClinGen allele CA025755.
Genomic context (GRCh38, chr13:32,376,669, plus strand): 5'-TTAGTTTTAGTTGCTTTTGAATTTACAGTTTAGTGAATTAATAATCCTTTTGTTTTCTTA[G>GA]AAAACACAACAAAACCATATTTACCATCACGTGCACTAACAAGACAGCAAGTTCGTGCTT-3'

ClinVar aggregate classification (germline): Pathogenic. Review status: reviewed by expert panel (3 of 4 stars). 6 submissions from 6 submitters: Pathogenic (1). 5 of the submissions do not count toward it. Last evaluated 2016-09-08.

Conditions:
Pancreatic cancer, susceptibility to, 2. Identifiers: Orphanet 1333, MedGen C3150546, MONDO:0013235, OMIM 613347.
Glioma susceptibility 3 (GLM3). Also called: Glioblastoma 3. Identifiers: Orphanet 182067, Orphanet 360, MedGen C2751641, MONDO:0013093, OMIM 613029.
Familial prostate cancer. Also called: Hereditary Prostate Cancer. Identifiers: MedGen C2931456, MONDO:0700275, OMIM 176807.
Breast-ovarian cancer, familial, susceptibility to, 2 (BROVCA2). Also called: BRCA2 Hereditary Breast and Ovarian Cancer. Identifiers: Orphanet 145, MedGen C2675520, MONDO:0012933, OMIM 612555. Disease mechanism: loss of function.
Fanconi anemia complementation group D1. Also called: BRCA2-Related Fanconi Anemia. Identifiers: Orphanet 319462, MedGen C1838457, MONDO:0011584, OMIM 605724.
Medulloblastoma (MDB). Also called: Medulloblastoma, somatic; MEDULLOBLASTOMA PREDISPOSITION SYNDROME. Identifiers: Orphanet 616, MedGen C0025149, MeSH D008527, MONDO:0007959, OMIM 155255, HP:0002885.
Wilms tumor 1 (WT1). Also called: Wilms tumor, somatic. Identifiers: Orphanet 654, MedGen CN033288, MONDO:0008679, OMIM 194070.
Familial cancer of breast. Also called: BREAST CANCER, FAMILIAL; hereditary breast carcinoma; Hereditary breast cancer. Identifiers: Orphanet 227535, MedGen C0346153, MONDO:0016419, OMIM 114480. Disease mechanism: loss of function.
Hereditary cancer-predisposing syndrome. Also called: Neoplastic Syndromes, Hereditary; Tumor predisposition; Hereditary Cancer Syndrome; Hereditary neoplastic syndrome. Identifiers: Orphanet 140162, MedGen C0027672, MeSH D009386, MONDO:0015356.

Submissions (6):

Evidence-based Network for the Interpretation of Germline Mutant Alleles (ENIGMA)
Classification: Pathogenic for Breast-ovarian cancer, familial, susceptibility to, 2. Last evaluated: 2016-09-08. Review status: reviewed by expert panel. Criteria: ENIGMA BRCA1/2 Classification Criteria (2015). Collection method: curation. Allele origin: germline.
Comment: Variant allele predicted to encode a truncated non-functional protein.

Ambry Genetics
Classification: Pathogenic for Hereditary cancer-predisposing syndrome. Last evaluated: 2024-06-01. Review status: criteria provided, single submitter. Criteria: Ambry Variant Classification Scheme 2023. Collection method: clinical testing. Allele origin: germline. Not counted in ClinVar's aggregate classification.
Comment: The c.8636dupA pathogenic mutation, located in coding exon 20 of the BRCA2 gene, results from a duplication of A at nucleotide position 8636, causing a translational frameshift with a predicted alternate stop codon (p.N2879Kfs*28). This variant is considered to be rare based on population cohorts in the Genome Aggregation Database (gnomAD). This alteration is expected to result in loss of function by premature protein truncation or nonsense-mediated mRNA decay. As such, this alteration is interpreted as a disease-causing mutation.

Color Diagnostics, LLC DBA Color Health
Classification: Pathogenic for Hereditary cancer-predisposing syndrome. Last evaluated: 2022-11-21. Review status: criteria provided, single submitter. Criteria: ACMG Guidelines, 2015. Collection method: clinical testing. Allele origin: germline. Not counted in ClinVar's aggregate classification.
Comment: This variant causes a duplication of 1 nucleotide in the BRCA2 gene and a frameshift and premature protein truncation. This variant is expected to result in an absent or non-functional protein product. This variant, described as 8864insA, has been reported in a family affected with hereditary breast and ovarian cancer (PMID: 15131399). This variant has not been identified in the general population by the Genome Aggregation Database (gnomAD). Loss of BRCA2 function is a known mechanism of disease. Based on the available evidence, this variant is classified as Pathogenic.

Department of Pathology and Laboratory Medicine, Sinai Health System
Classification: Pathogenic for Familial cancer of breast; Medulloblastoma; Familial prostate cancer; Wilms tumor 1; Fanconi anemia complementation group D1; Breast-ovarian cancer, familial, susceptibility to, 2; Glioma susceptibility 3; Pancreatic cancer, susceptibility to, 2. Last evaluated: 2020-07-24. Review status: criteria provided, single submitter. Criteria: ACMG Guidelines, 2015. Collection method: clinical testing. Allele origin: germline. Affected: no. Not counted in ClinVar's aggregate classification.

Consortium of Investigators of Modifiers of BRCA1/2 (CIMBA), c/o University of Cambridge
Classification: Pathogenic for Breast-ovarian cancer, familial, susceptibility to, 2. Last evaluated: 2015-10-02. Review status: criteria provided, single submitter. Criteria: CIMBA Mutation Classification guidelines May 2016. Collection method: clinical testing. Allele origin: germline. Not counted in ClinVar's aggregate classification.

Breast Cancer Information Core (BIC) (BRCA2)
Classification: Pathogenic for Breast-ovarian cancer, familial 2. Last evaluated: 2004-02-20. Review status: no assertion criteria provided. Collection method: clinical testing. Allele origin: germline. Affected: yes. Observed: 1 variant allele. Not counted in ClinVar's aggregate classification.

Literature cited by the submitters: PubMed 15131399 (cited by Color Diagnostics, LLC DBA Color Health).